The following is an entry in ClinVar:

ClinVar aggregate classification (germline): Uncertain significance (1 of 4 stars; one submission).

Conditions:
Hereditary cancer-predisposing syndrome. Also called: Hereditary Cancer Syndrome; Hereditary neoplastic syndrome; Tumor predisposition; Neoplastic Syndromes, Hereditary. Identifiers: Orphanet 140162, MedGen C0027672, MeSH D009386, MONDO:0015356.

Submission:

Ambry Genetics
Classification: Uncertain significance for Hereditary cancer-predisposing syndrome. Last evaluated: 2024-06-27. Review status: criteria provided, single submitter. Criteria: Ambry Variant Classification Scheme 2023. Collection method: clinical testing. Allele origin: germline.
Comment: The c.3694delG variant, located in coding exon 24 of the ALK gene, results from a deletion of one nucleotide at nucleotide position 3694, causing a translational frameshift with a predicted alternate stop codon (p.D1232Tfs*26). This alteration is expected to result in loss of function by premature protein truncation or nonsense-mediated mRNA decay. However, loss of function of ALK has not been established as a mechanism of disease. Based on the available evidence, the clinical significance of this alteration remains unclear.

NM_004304.5(ALK):c.3694del (p.Asp1232fs)

Gene: ALK (ALK receptor tyrosine kinase; minus strand). Cytogenetic location: 2p23.2.
Variant type: Deletion.
Coding change: c.3694del on transcript NM_004304.5 (MANE Select); coding-DNA position 3694, one base deleted (G; older notation c.3694delG).
Protein change: p.Asp1232fs; shifts the reading frame from aspartic acid 1232.
Molecular consequence: frameshift variant.
Genome position (GRCh38, 1-based): chr2:29,214,033, C deleted on the plus strand (G on the coding strand, the reverse complement: ALK is on the minus strand); the first of 3 consecutive C bases (chr2:29,214,033-29,214,035); deleting any one gives the same sequence. VCF-style (leftmost placement, unchanged base first): chr2-29214032-TC-T. GRCh37 (hg19) VCF-style: chr2-29436898-TC-T.
Other names: c.490del, p.Asp164fs (NM_001353765.2); short protein forms D1232fs, D164fs.
Identifiers: ClinVar variation 3522501 (VCV003522501.1).